The following is an entry in ClinVar:

NM_000498.3(CYP11B2):c.752A>G (p.Lys251Arg)

Genes: CYP11B2 (cytochrome P450 family 11 subfamily B member 2; minus strand), LOC106799834 (CYP11B2 recombination region; plus strand). Cytogenetic location: 8q24.3.
Variant type: single nucleotide variant.
Coding change: c.752A>G on transcript NM_000498.3 (MANE Select); coding-DNA position 752, A replaced by G.
Protein change: p.Lys251Arg; replaces lysine 251 with arginine.
Molecular consequence: missense variant.
Genome position (GRCh38, 1-based): chr8:142,914,752, T>C on the plus strand (A>G on the coding strand, the complement: CYP11B2 is on the minus strand). VCF-style: chr8-142914752-T-C. GRCh37 (hg19) VCF-style: chr8-143996168-T-C.
Other names: short protein forms K251R.
Identifiers: ClinVar variation 362212 (VCV000362212.13), dbSNP rs752962897, ClinGen allele CA4906104.

ClinVar aggregate classification (germline): Conflicting classifications of pathogenicity. Review status: criteria provided, conflicting classifications (1 of 4 stars). 5 submissions from 3 submitters: Uncertain significance (3); Benign (1); Likely benign (1). Last evaluated 2025-05-13.

Conditions:
Corticosterone methyloxidase type 2 deficiency. Also called: 18-OXIDASE DEFICIENCY; ALDOSTERONE DEFICIENCY DUE TO DEFICIENCY OF STEROID 18-OXIDASE; ALDOSTERONE DEFICIENCY II; CMO II DEFICIENCY; STEROID 18-OXIDASE DEFICIENCY. Identifiers: Orphanet 427, MedGen C3463917, MONDO:0012524, OMIM 610600. Disease mechanism: loss of function.
Corticosterone 18-monooxygenase deficiency. Also called: ALDOSTERONE DEFICIENCY DUE TO DEFECT IN STEROID 18-HYDROXYLASE; ALDOSTERONE DEFICIENCY I; CMO I DEFICIENCY; STEROID 18-HYDROXYLASE DEFICIENCY; 18 Hydroxylase deficiency; Aldosterone deficiency due to defect in 18 hydroxylase. Identifiers: Orphanet 427, MedGen C0268293, MONDO:0008751, OMIM 203400. Disease mechanism: loss of function.
Glucocorticoid-remediable aldosteronism. Also called: Hyperaldosteronism, familial, type I; ACTH-DEPENDENT HYPERALDOSTERONISM SYNDROME; ALDOSTERONISM, SENSITIVE TO DEXAMETHASONE; FH I; GLUCOCORTICOID-SUPPRESSIBLE HYPERALDOSTERONISM. Identifiers: Orphanet 403, MedGen C3838731, MONDO:0007080, OMIM 103900.

Allele frequency attached by ClinVar (database versions not stated): gnomAD 0.00004 and 0.00005; gnomAD exomes 0.00012 and 0.00026; TOPMed 0.00012; ExAC 0.00015.
gnomAD v4.1: 80 of 1,613,218 alleles (0.005%); highest among the groups gnomAD compares: Admixed American, 0.13%; no homozygotes.

Submissions (5):

Labcorp Genetics (formerly Invitae), Labcorp
Classification: Likely benign. Last evaluated: 2025-05-13. Review status: criteria provided, single submitter. Criteria: Invitae Variant Classification Sherloc (09022015). Collection method: clinical testing. Allele origin: germline.

Fulgent Genetics
Classification: Uncertain significance for Corticosterone 18-monooxygenase deficiency; Corticosterone methyloxidase type 2 deficiency. Last evaluated: 2024-01-22. Review status: criteria provided, single submitter. Criteria: ACMG Guidelines, 2015. Collection method: clinical testing. Allele origin: germline.

Illumina Laboratory Services, Illumina
Classification: Uncertain significance for Corticosterone methyloxidase type 2 deficiency. Last evaluated: 2018-01-13. Review status: criteria provided, single submitter. Criteria: ICSL Variant Classification Criteria 13 December 2019. Collection method: clinical testing. Allele origin: germline.

Illumina Laboratory Services, Illumina
Classification: Benign for Hyperaldosteronism, familial, type I. Last evaluated: 2018-01-13. Review status: criteria provided, single submitter. Criteria: ICSL Variant Classification Criteria 13 December 2019. Collection method: clinical testing. Allele origin: germline.
Comment: This variant was observed in the ICSL laboratory as part of a predisposition screen in an ostensibly healthy population. It had not been previously curated by ICSL or reported in the Human Gene Mutation Database (HGMD: prior to June 1st, 2018), and was therefore a candidate for classification through an automated scoring system. Utilizing variant allele frequency, disease prevalence and penetrance estimates, and inheritance mode, an automated score was calculated to assess if this variant is too frequent to cause the disease. Based on the score and internal cut-off values, a variant classified as benign is not then subjected to further curation. The score for this variant resulted in a classification of benign for this disease.

Illumina Laboratory Services, Illumina
Classification: Uncertain significance for Corticosterone 18-monooxygenase deficiency. Last evaluated: 2018-01-13. Review status: criteria provided, single submitter. Criteria: ICSL Variant Classification Criteria 13 December 2019. Collection method: clinical testing. Allele origin: germline.